The following is an entry in ClinVar:

ClinVar aggregate classification (germline): Pathogenic. Review status: criteria provided, multiple submitters, no conflicts (2 of 4 stars). 4 submissions from 4 submitters: Pathogenic (2). 2 of the submissions do not count toward it. Last evaluated 2023-11-18.

Conditions:
MIRAGE syndrome. Also called: MYELODYSPLASIA, INFECTION, RESTRICTION OF GROWTH, ADRENAL HYPOPLASIA, GENITAL PHENOTYPES, AND ENTEROPATHY. Identifiers: Orphanet 494433, MedGen C4284088, MONDO:0014888, OMIM 617053.

Submissions (4):

GeneDx
Classification: Pathogenic. Last evaluated: 2023-11-18. Review status: criteria provided, single submitter. Criteria: GeneDx Variant Classification Process June 2021. Collection method: clinical testing. Allele origin: germline. Affected: yes.
Comment: Published functional studies suggest a gain of function effect resulting in decreased cell proliferation (PMID: 28346228); Not observed at significant frequency in large population cohorts (gnomAD); This variant is associated with the following publications: (PMID: 27182967, 28346228, 31666768, 28545555, 36894052)

Labcorp Genetics (formerly Invitae), Labcorp
Classification: Pathogenic. Last evaluated: 2020-05-22. Review status: criteria provided, single submitter. Criteria: Invitae Variant Classification Sherloc (09022015). Collection method: clinical testing. Allele origin: germline.
Comment: This sequence change replaces arginine with glutamine at codon 459 of the SAMD9 protein (p.Arg459Gln). The arginine residue is moderately conserved and there is a small physicochemical difference between arginine and glutamine. This variant is not present in population databases (ExAC no frequency). This variant has been observed in individuals with MIRAGE syndrome (PMID: 27182967, 28346228). In at least one individual the variant was observed to be de novo. ClinVar contains an entry for this variant (Variation ID: 253151). This variant has been reported to affect SAMD9 protein function (PMID: 27182967, 28346228). For these reasons, this variant has been classified as Pathogenic.

OMIM
Classification: Pathogenic for MIRAGE SYNDROME. Last evaluated: 2020-12-10. Review status: no assertion criteria provided. Collection method: literature only. Allele origin: germline. Not counted in ClinVar's aggregate classification.

GeneReviews
No classification provided. Condition: MIRAGE syndrome. Review status: no classification provided. Collection method: literature only. Allele origin: de novo. Not counted in ClinVar's aggregate classification.

Literature cited by the submitters: PubMed 27182967 (cited by 3 submitters); PubMed 28346228 (cited by Labcorp Genetics (formerly Invitae), Labcorp and GeneReviews); PubMed 31666768 (cited by GeneReviews); PubMed 33237688 (cited by GeneReviews).

NM_017654.4(SAMD9):c.1376G>A (p.Arg459Gln)

Gene: SAMD9 (sterile alpha motif domain containing 9; minus strand). Cytogenetic location: 7q21.2.
Variant type: single nucleotide variant.
Coding change: c.1376G>A on transcript NM_017654.4 (MANE Select); coding-DNA position 1376, G replaced by A.
Protein change: p.Arg459Gln; replaces arginine 459 with glutamine.
Molecular consequence: missense variant.
Genome position (GRCh38, 1-based): chr7:93,104,722, C>T on the plus strand (G>A on the coding strand, the complement: SAMD9 is on the minus strand). VCF-style: chr7-93104722-C-T. GRCh37 (hg19) VCF-style: chr7-92734035-C-T.
Other names: c.1376G>A, p.Arg459Gln (NM_001193307.2); short protein forms R459Q.
Identifiers: ClinVar variation 253151 (VCV000253151.13), dbSNP rs1584254152, ClinGen allele CA368197084.
Genomic context (GRCh38, chr7:93,104,722, plus strand): 5'-GTCTCATTTGGTGTGGTTTTCTGTTCTACATATACACTTGGAAAGTGAAGGTTTGCTACT[C>T]GGCTTTCTTTGTAAGCTTTGACCACTCCATTGATGTTAGACTCAGGATCAAACTCCAATA-3'
Protein context (NP_060124.2, residues 449-469): NGVVKAYKES[Arg459Gln]VANLHFPSVY